The following is an entry in ClinVar:

ClinVar aggregate classification (germline): Conflicting classifications of pathogenicity. Review status: criteria provided, conflicting classifications (1 of 4 stars). 3 submissions from 3 submitters: Uncertain significance (2); Likely benign (1). Last evaluated 2024-08-08.

Conditions:
Inborn genetic diseases. Identifiers: MedGen C0950123, MeSH D030342.
Hereditary spastic paraplegia 30. Identifiers: Orphanet 101010, MedGen C5235139, MONDO:0012476.
Neuropathy, hereditary sensory, type 2C. Also called: Hereditary sensory and autonomic neuropathy type IIC; KIF1A-Related HSAN2 (HSAN2C). Identifiers: Orphanet 970, MedGen C3280168, MONDO:0013634, OMIM 614213.
Intellectual disability, autosomal dominant 9 (NESCAVS). Also called: NESCAV SYNDROME; KIF1A-Related Neurodevelopmental Disorder. Identifiers: Orphanet 662367, MedGen C5393830, MONDO:0013656, OMIM 614255.

gnomAD v4.1: 18 of 1,612,348 alleles (0.0011%); highest among the groups gnomAD compares: South Asian, 0.0033%; no homozygotes.

Submissions (3):

Labcorp Genetics (formerly Invitae), Labcorp
Classification: Likely benign for Hereditary spastic paraplegia 30; Neuropathy, hereditary sensory, type 2C; Intellectual disability, autosomal dominant 9. Last evaluated: 2024-08-08. Review status: criteria provided, single submitter. Criteria: Invitae Variant Classification Sherloc (09022015). Collection method: clinical testing. Allele origin: germline.

CeGaT Center for Human Genetics Tuebingen
Classification: Uncertain significance. Last evaluated: 2024-04-01. Review status: criteria provided, single submitter. Criteria: CeGaT Center For Human Genetics Tuebingen Variant Classification Criteria Version 2. Collection method: clinical testing. Allele origin: germline. Affected: yes. Observed: 1 variant allele.
Comment: KIF1A: PM2

Ambry Genetics
Classification: Uncertain significance for Inborn genetic diseases. Last evaluated: 2023-01-24. Review status: criteria provided, single submitter. Criteria: Ambry Variant Classification Scheme 2023. Collection method: clinical testing. Allele origin: germline.
Comment: Hereditary sensory neuropathy type IIC does not currently meet published gene-disease clinical validity criteria for this gene (Smith, 2017) Based on insufficient or conflicting evidence, the clinical significance of this alteration remains unclear.

Literature cited by the submitters: PubMed 28106320 (cited by Ambry Genetics).

NM_001244008.2(KIF1A):c.5086C>T (p.Arg1696Cys)

Gene: KIF1A (kinesin family member 1A; minus strand). Cytogenetic location: 2q37.3.
Variant type: single nucleotide variant.
Coding change: c.5086C>T on transcript NM_001244008.2 (MANE Select); coding-DNA position 5086, C replaced by T.
Protein change: p.Arg1696Cys; replaces arginine 1696 with cysteine.
Molecular consequence: missense variant.
Genome position (GRCh38, 1-based): chr2:240,719,134, G>A on the plus strand (C>T on the coding strand, the complement: KIF1A is on the minus strand). VCF-style: chr2-240719134-G-A. GRCh37 (hg19) VCF-style: chr2-241658551-G-A.
Other names: c.4810C>T, p.Arg1604Cys (NM_001320705.2, NM_001379649.1); c.4837C>T, p.Arg1613Cys (NM_001330289.2); c.4885C>T, p.Arg1629Cys (NM_001330290.2, NM_001379648.1); c.5161C>T, p.Arg1721Cys (NM_001379631.1); c.5062C>T, p.Arg1688Cys (NM_001379632.1); c.5059C>T, p.Arg1687Cys (NM_001379633.1, NM_001379645.1); c.4912C>T, p.Arg1638Cys (NM_001379634.1); c.4909C>T, p.Arg1637Cys (NM_001379635.1, NM_001379646.1); and 7 more; short protein forms R1696C, R1595C, R1613C, R1604C, R1629C, R1594C, R1603C, R1612C.
Identifiers: ClinVar variation 464258 (VCV000464258.29), dbSNP rs772521110, ClinGen allele CA351298557.